The following is an entry in ClinVar:

ClinVar aggregate classification (germline): Uncertain significance (1 of 4 stars; one submission).

Conditions:
Hereditary cancer-predisposing syndrome. Also called: Tumor predisposition; Hereditary neoplastic syndrome; Neoplastic Syndromes, Hereditary; Hereditary Cancer Syndrome. Identifiers: Orphanet 140162, MedGen C0027672, MeSH D009386, MONDO:0015356.

Submission:

Ambry Genetics
Classification: Uncertain significance for Hereditary cancer-predisposing syndrome. Last evaluated: 2025-06-06. Review status: criteria provided, single submitter. Criteria: Ambry Variant Classification Scheme 2023. Collection method: clinical testing. Allele origin: germline.
Comment: The p.K525E variant (also known as c.1573A>G), located in coding exon 11 of the CTNNA1 gene, results from an A to G substitution at nucleotide position 1573. The lysine at codon 525 is replaced by glutamic acid, an amino acid with similar properties. This amino acid position is conserved. In addition, the in silico prediction for this alteration is inconclusive. Based on the available evidence, the clinical significance of this variant remains unclear.

NM_001903.5(CTNNA1):c.1573A>G (p.Lys525Glu)

Gene: CTNNA1 (catenin alpha 1; plus strand). Cytogenetic location: 5q31.2.
Variant type: single nucleotide variant.
Coding change: c.1573A>G on transcript NM_001903.5 (MANE Select); coding-DNA position 1573, A replaced by G.
Protein change: p.Lys525Glu; replaces lysine 525 with glutamic acid.
Molecular consequence: missense variant.
Genome position (GRCh38, 1-based): chr5:138,924,536, A>G. VCF-style: chr5-138924536-A-G. GRCh37 (hg19) VCF-style: chr5-138260225-A-G.
Other names: c.463A>G, p.Lys155Glu (NM_001323988.1, NM_001323989.1, NM_001323990.1 and 17 more transcripts); c.1573A>G, p.Lys525Glu (NM_001290307.3, NM_001323982.2, NM_001323983.1 and 2 more transcripts); c.1264A>G, p.Lys422Glu (NM_001290309.3); c.1204A>G, p.Lys402Glu (NM_001290310.3); c.1480A>G, p.Lys494Glu (NM_001323986.2); c.124A>G, p.Lys42Glu (NM_001324006.1, NM_001324007.1, NM_001324008.1 and 2 more transcripts); c.370A>G, p.Lys124Glu (NM_001324011.1); c.220A>G, p.Lys74Glu (NM_001324012.1, NM_001324013.1); short protein forms K155E, K74E, K494E, K124E, K402E, K42E, K525E, K422E.
Identifiers: ClinVar variation 4008000 (VCV004008000.1).
Genomic context (GRCh38, chr5:138,924,536, plus strand): 5'-TCCTTCCTCATTCAACTTTTTGCTTGTTCTCCAGAGAATCACATTTTGGAAGATGTGAAC[A>G]AATGTGTCATTGCTCTCCAAGAGAAGGATGTGGATGGCCTGGACCGCACAGCTGGTGCAA-3'
Protein context (NP_001894.2, residues 515-535): SENHILEDVN[Lys525Glu]CVIALQEKDV